The following is an entry in ClinVar:

NM_000043.6(FAS):c.955A>G (p.Thr319Ala)

Gene: FAS (Fas cell surface death receptor; plus strand). Cytogenetic location: 10q23.31.
Variant type: single nucleotide variant.
Coding change: c.955A>G on transcript NM_000043.6 (MANE Select); coding-DNA position 955, A replaced by G.
Protein change: p.Thr319Ala; replaces threonine 319 with alanine.
Molecular consequence: missense variant. On other transcripts: 3 prime UTR variant (2), non-coding transcript variant (7).
Genome position (GRCh38, 1-based): chr10:89,014,397, A>G. VCF-style: chr10-89014397-A-G. GRCh37 (hg19) VCF-style: chr10-90774154-A-G.
Other names: c.*278A>G (NM_001320619.2); c.1000A>G, p.Thr334Ala (NM_001410956.1); c.892A>G, p.Thr298Ala (NM_152871.4); c.*267A>G (NM_152872.4); short protein forms T319A, T298A, T334A.
Identifiers: ClinVar variation 3663650 (VCV003663650.2).
Genomic context (GRCh38, chr10:89,014,397, plus strand): 5'-AAAAAAGCCAATCTTTGTACTCTTGCAGAGAAAATTCAGACTATCATCCTCAAGGACATT[A>G]CTAGTGACTCAGAAAATTCAAACTTCAGAAATGAAATCCAAAGCTTGGTCTAGAGTGAAA-3'
Protein context (NP_000034.1, residues 309-329): KIQTIILKDI[Thr319Ala]SDSENSNFRN

ClinVar aggregate classification (germline): Uncertain significance (1 of 4 stars; one submission).

Conditions:
Autoimmune lymphoproliferative syndrome type 1. Also called: AUTOIMMUNE LYMPHOPROLIFERATIVE SYNDROME, TYPE I, AUTOSOMAL DOMINANT. Identifiers: Orphanet 3261, MedGen C2717884, MONDO:0011158, OMIM 601859.

gnomAD v4.1: 2 of 1,613,102 alleles (0.00012%); highest among the groups gnomAD compares: Non-Finnish European, 0.000085%; no homozygotes.

Submission:

Labcorp Genetics (formerly Invitae), Labcorp
Classification: Uncertain significance for Autoimmune lymphoproliferative syndrome. Last evaluated: 2024-09-03. Review status: criteria provided, single submitter. Criteria: Invitae Variant Classification Sherloc (09022015). Collection method: clinical testing. Allele origin: germline.
Comment: This sequence change replaces threonine, which is neutral and polar, with alanine, which is neutral and non-polar, at codon 319 of the FAS protein (p.Thr319Ala). This variant is not present in population databases (gnomAD no frequency). This variant has not been reported in the literature in individuals affected with FAS-related conditions. An algorithm developed to predict the effect of missense changes on protein structure and function outputs the following: PolyPhen-2: "Benign". The alanine amino acid residue is found in multiple mammalian species, which suggests that this missense change does not adversely affect protein function. In summary, the available evidence is currently insufficient to determine the role of this variant in disease. Therefore, it has been classified as a Variant of Uncertain Significance.